The following is an entry in ClinVar:

NM_001283009.2(RTEL1):c.1596-1G>A

Genes: RTEL1 (regulator of telomere elongation helicase 1; plus strand), RTEL1-TNFRSF6B (RTEL1-TNFRSF6B readthrough (NMD candidate); plus strand). Cytogenetic location: 20q13.33.
Variant type: single nucleotide variant.
Coding change: c.1596-1G>A on transcript NM_001283009.2 (MANE Select); the canonical splice acceptor site of the intron before coding-DNA position 1596, G replaced by A.
Molecular consequence: splice acceptor variant.
Genome position (GRCh38, 1-based): chr20:63,688,138, G>A. VCF-style: chr20-63688138-G-A. GRCh37 (hg19) VCF-style: chr20-62319491-G-A.
Other names: c.927-1G>A (NM_001283010.1); c.1668-1G>A (NM_032957.5); c.1596-1G>A (NM_016434.4).
Identifiers: ClinVar variation 552420 (VCV000552420.9), dbSNP rs1555811386, ClinGen allele CA409676952.

ClinVar aggregate classification (germline): Likely pathogenic. Review status: criteria provided, multiple submitters, no conflicts (2 of 4 stars). 4 submissions from 4 submitters: Likely pathogenic (3). 1 of the submissions does not count toward it. Last evaluated 2026-01-30.

Conditions:
RTEL1-related disorder. Also called: RTEL1-related disorders; RTEL1-related condition.
Dyskeratosis congenita, autosomal recessive 5 (DKCB5). Identifiers: MedGen C3554656, MONDO:0014076, OMIM 615190.
Pulmonary fibrosis and/or bone marrow failure, Telomere-related, 3. Also called: PULMONARY FIBROSIS AND/OR BONE MARROW FAILURE SYNDROME, TELOMERE-RELATED, 3. Identifiers: Orphanet 2032, MedGen C4225346, MONDO:0014613, OMIM 616373.

Submissions (4):

Myriad Genetics, Inc.
Classification: Likely pathogenic for Dyskeratosis congenita, autosomal recessive 5. Last evaluated: 2026-01-30. Review status: criteria provided, single submitter. Criteria: Myriad Autosomal Dominant, Autosomal Recessive and X-Linked Classification Criteria (2023). Collection method: clinical testing. Allele origin: unknown.
Comment: NM_001283009.1(RTEL1):c.1596-1G>A is a variant in a canonical splice site classified as likely pathogenic in the context of RTEL1-related disorders. c.1596-1G>A has not been observed in cases with relevant disease. Relevant functional assessments of this variant are not available in the literature. c.1596-1G>A has not been observed in referenced population frequency databases. In summary, NM_001283009.1(RTEL1):c.1596-1G>A is a variant in a canonical splice site in a gene where loss of function is a known mechanism of disease and is predicted to disrupt protein function. Please note: this variant was assessed in the context of healthy population screening.

Labcorp Genetics (formerly Invitae), Labcorp
Classification: Likely pathogenic for Dyskeratosis congenita, autosomal recessive 5; Pulmonary fibrosis and/or bone marrow failure, Telomere-related, 3. Last evaluated: 2022-05-15. Review status: criteria provided, single submitter. Criteria: Invitae Variant Classification Sherloc (09022015). Collection method: clinical testing. Allele origin: germline.
Comment: This sequence change affects an acceptor splice site in intron 18 of the RTEL1 gene. It is expected to disrupt RNA splicing. Variants that disrupt the donor or acceptor splice site typically lead to a loss of protein function (PMID: 16199547), and loss-of-function variants in RTEL1 are known to be pathogenic (PMID: 23453664, 23959892, 25607374). This variant is not present in population databases (gnomAD no frequency). This variant has not been reported in the literature in individuals affected with RTEL1-related conditions. ClinVar contains an entry for this variant (Variation ID: 552420). Algorithms developed to predict the effect of sequence changes on RNA splicing suggest that this variant may disrupt the consensus splice site. In summary, the currently available evidence indicates that the variant is pathogenic, but additional data are needed to prove that conclusively. Therefore, this variant has been classified as Likely Pathogenic.

Blueprint Genetics
Classification: Likely pathogenic for RTEL1-related disorders. Last evaluated: 2021-12-29. Review status: criteria provided, single submitter. Criteria: ACMG Guidelines, 2015. Collection method: clinical testing. Allele origin: germline. Affected: yes. Observed: 1 variant allele.

Counsyl
Classification: Likely pathogenic for Dyskeratosis congenita, autosomal recessive 5. Last evaluated: 2017-06-19. Review status: no assertion criteria provided. Collection method: clinical testing. Allele origin: unknown. Not counted in ClinVar's aggregate classification.

Literature cited by the submitters: PubMed 16199547 (cited by Labcorp Genetics (formerly Invitae), Labcorp); PubMed 23453664 (cited by Labcorp Genetics (formerly Invitae), Labcorp); PubMed 23959892 (cited by Labcorp Genetics (formerly Invitae), Labcorp); PubMed 25607374 (cited by Labcorp Genetics (formerly Invitae), Labcorp).